The following is an entry in ClinVar:

NM_001365951.3(KIF1B):c.4550G>T (p.Arg1517Ile)

Gene: KIF1B (kinesin family member 1B; plus strand). Cytogenetic location: 1p36.22.
Variant type: single nucleotide variant.
Coding change: c.4550G>T on transcript NM_001365951.3 (MANE Select); coding-DNA position 4550, G replaced by T.
Protein change: p.Arg1517Ile; replaces arginine 1517 with isoleucine.
Molecular consequence: missense variant.
Genome position (GRCh38, 1-based): chr1:10,365,446, G>T. VCF-style: chr1-10365446-G-T. GRCh37 (hg19) VCF-style: chr1-10425504-G-T.
Other names: c.4550G>T, p.Arg1517Ile (NM_001365952.1); c.4412G>T, p.Arg1471Ile (NM_015074.3); short protein forms R1471I, R1517I.
Identifiers: ClinVar variation 2497111 (VCV002497111.2), dbSNP rs1192354175, ClinGen allele CA338321762.
Genomic context (GRCh38, chr1:10,365,446, plus strand): 5'-AGCAGTAGTATTGATCTTCTCAGGTGGAAAAAACCCGCCACTTTTTGCTGCTGCGTGAGA[G>T]ACTTGGTGACAGCATCCCCAAATCCCTGAGCGACTCGTTATCCCCCAGCCTCAGCAGTGG-3'
Protein context (NP_001352880.1, residues 1507-1527): KTRHFLLLRE[Arg1517Ile]LGDSIPKSLS

ClinVar aggregate classification (germline): Uncertain significance (1 of 4 stars; one submission).

gnomAD v4.1: 4 of 1,614,146 alleles (0.00025%); highest among the groups gnomAD compares: Non-Finnish European, 0.00025%; no homozygotes.

Submission:

Ambry Genetics
Classification: Uncertain significance. Last evaluated: 2022-11-16. Review status: criteria provided, single submitter. Criteria: Ambry Variant Classification Scheme 2023. Collection method: clinical testing. Allele origin: germline.
Comment: The p.R1471I variant (also known as c.4412G>T), located in coding exon 40 of the KIF1B gene, results from a G to T substitution at nucleotide position 4412. The arginine at codon 1471 is replaced by isoleucine, an amino acid with similar properties. This amino acid position is conserved. In addition, this alteration is predicted to be tolerated by in silico analysis. Since supporting evidence is limited at this time, the clinical significance of this alteration remains unclear.